The following is an entry in ClinVar:

ClinVar aggregate classification (germline): Uncertain significance (1 of 4 stars; one submission).

Submission:

CeGaT Center for Human Genetics Tuebingen
Classification: Uncertain significance. Last evaluated: 2025-11-01. Review status: criteria provided, single submitter. Criteria: CeGaT Center For Human Genetics Tuebingen Variant Classification Criteria Version 2. Collection method: clinical testing. Allele origin: germline. Affected: yes. Observed: 1 variant allele.
Comment: SPTBN1: PM2

NM_003128.3(SPTBN1):c.6112C>T (p.Pro2038Ser)

Gene: SPTBN1 (spectrin beta, non-erythrocytic 1; plus strand). Cytogenetic location: 2p16.2.
Variant type: single nucleotide variant.
Coding change: c.6112C>T on transcript NM_003128.3 (MANE Select); coding-DNA position 6112, C replaced by T.
Protein change: p.Pro2038Ser; replaces proline 2038 with serine.
Molecular consequence: missense variant.
Genome position (GRCh38, 1-based): chr2:54,657,915, C>T. VCF-style: chr2-54657915-C-T. GRCh37 (hg19) VCF-style: chr2-54885052-C-T.
Other names: c.6073C>T, p.Pro2025Ser (NM_178313.3); short protein forms P2025S, P2038S.
Identifiers: ClinVar variation 4535173 (VCV004535173.6).